The following is an entry in ClinVar:

NM_145185.4(MAP2K7):c.1080-4C>G

Gene: MAP2K7 (mitogen-activated protein kinase kinase 7; plus strand). Cytogenetic location: 19p13.2.
Variant type: single nucleotide variant.
Coding change: c.1080-4C>G on transcript NM_145185.4 (MANE Select); 4 bases into the intron before coding-DNA position 1080, C replaced by G.
Molecular consequence: intron variant.
Genome position (GRCh38, 1-based): chr19:7,912,145, C>G. VCF-style: chr19-7912145-C-G. GRCh37 (hg19) VCF-style: chr19-7977030-C-G.
Other names: c.1128-4C>G (NM_001297555.2); c.1101-4C>G (NM_001297556.2).
Identifiers: ClinVar variation 2649185 (VCV002649185.24), dbSNP rs1171768843, ClinGen allele CA631335896.
Genomic context (GRCh38, chr19:7,912,145, plus strand): 5'-AGGGGTGGGGCCGGCATCCCCTCCTCCCTCGTTCTCACATCTGTCTTCCCTTCTCTTGCT[C>G]TAGCCTTACTAAAGATCACAGGAAGAGACCAAAGTATAATAAGCTACTTGTGAGTACCTG-3'

ClinVar aggregate classification (germline): Likely benign (1 of 4 stars; one submission).

gnomAD v4.1: 1 of 1,613,918 alleles (0.000062%); highest among the groups gnomAD compares: Non-Finnish European, 0.000085%; no homozygotes.

Submission:

CeGaT Center for Human Genetics Tuebingen
Classification: Likely benign. Last evaluated: 2023-05-01. Review status: criteria provided, single submitter. Criteria: CeGaT Center For Human Genetics Tuebingen Variant Classification Criteria Version 2. Collection method: clinical testing. Allele origin: germline. Affected: yes. Observed: 1 variant allele.
Comment: MAP2K7: BP4